The following is an entry in ClinVar:

NM_000426.4(LAMA2):c.7573-2A>T

Gene: LAMA2 (laminin subunit alpha 2; plus strand). Cytogenetic location: 6q22.33.
Variant type: single nucleotide variant.
Coding change: c.7573-2A>T on transcript NM_000426.4 (MANE Select); the canonical splice acceptor site of the intron before coding-DNA position 7573, A replaced by T.
Molecular consequence: splice acceptor variant.
Genome position (GRCh38, 1-based): chr6:129,481,261, A>T. VCF-style: chr6-129481261-A-T. GRCh37 (hg19) VCF-style: chr6-129802406-A-T.
Other names: c.7561-2A>T (NM_001079823.2).
Identifiers: ClinVar variation 2845585 (VCV002845585.3), dbSNP rs2533477720, ClinGen allele CA365627611.

ClinVar aggregate classification (germline): Likely pathogenic (1 of 4 stars; one submission).

Conditions:
LAMA2-related muscular dystrophy (LAMA2-RD). Also called: Laminin alpha 2-related dystrophy. Identifiers: MedGen C5679788, MONDO:0100228.

Submission:

Labcorp Genetics (formerly Invitae), Labcorp
Classification: Likely pathogenic for LAMA2-related muscular dystrophy. Last evaluated: 2023-10-23. Review status: criteria provided, single submitter. Criteria: Invitae Variant Classification Sherloc (09022015). Collection method: clinical testing. Allele origin: germline.
Comment: This sequence change affects an acceptor splice site in intron 54 of the LAMA2 gene. It is expected to disrupt RNA splicing. Variants that disrupt the donor or acceptor splice site typically lead to a loss of protein function (PMID: 16199547), and loss-of-function variants in LAMA2 are known to be pathogenic (PMID: 18700894, 32904964). This variant is not present in population databases (gnomAD no frequency). This variant has not been reported in the literature in individuals affected with LAMA2-related conditions. Algorithms developed to predict the effect of sequence changes on RNA splicing suggest that this variant may disrupt the consensus splice site. In summary, the currently available evidence indicates that the variant is pathogenic, but additional data are needed to prove that conclusively. Therefore, this variant has been classified as Likely Pathogenic.

Literature cited by the submitters: PubMed 16199547; PubMed 18700894; PubMed 32904964.